The following is an entry in ClinVar:

ClinVar aggregate classification (germline): Conflicting classifications of pathogenicity. Review status: criteria provided, conflicting classifications (1 of 4 stars). 3 submissions from 3 submitters: Uncertain significance (2); Likely benign (1). Last evaluated 2024-09-20.

Conditions:
Inborn genetic diseases. Identifiers: MedGen C0950123, MeSH D030342.
CODAS syndrome. Also called: CEREBRAL, OCULAR, DENTAL, AURICULAR, AND SKELETAL ANOMALIES SYNDROME. Identifiers: Orphanet 1458, MedGen C1838180, MONDO:0010879, OMIM 600373.

Allele frequency attached by ClinVar (database versions not stated): gnomAD below 0.00001; TOPMed below 0.00001; ExAC 0.00003; gnomAD exomes 0.00004.
gnomAD v4.1: 24 of 1,612,894 alleles (0.0015%); highest among the groups gnomAD compares: South Asian, 0.023%; no homozygotes.

Submissions (3):

3billion
Classification: Likely benign for CODAS syndrome. Last evaluated: 2024-09-20. Review status: criteria provided, single submitter. Criteria: ACMG Guidelines, 2015. Collection method: clinical testing. Allele origin: germline. Affected: no.
Comment: The homozygous variant was found in patients diagnosed with another variant in a different gene, with no symptoms related to the gene containing the homozygous variant.

Ambry Genetics
Classification: Uncertain significance for Inborn genetic diseases. Last evaluated: 2023-10-17. Review status: criteria provided, single submitter. Criteria: Ambry Variant Classification Scheme 2023. Collection method: clinical testing. Allele origin: germline.

CeGaT Center for Human Genetics Tuebingen
Classification: Uncertain significance. Last evaluated: 2018-10-01. Review status: criteria provided, single submitter. Criteria: CeGaT Center For Human Genetics Tuebingen Variant Classification Criteria Version 2. Collection method: clinical testing. Allele origin: germline. Affected: yes. Observed: 1 variant allele.

NM_004793.4(LONP1):c.1924A>G (p.Thr642Ala)

Gene: LONP1 (lon peptidase 1, mitochondrial; minus strand). Cytogenetic location: 19p13.3.
Variant type: single nucleotide variant.
Coding change: c.1924A>G on transcript NM_004793.4 (MANE Select); coding-DNA position 1924, A replaced by G.
Protein change: p.Thr642Ala; replaces threonine 642 with alanine.
Molecular consequence: missense variant. On other transcripts: non-coding transcript variant (1).
Genome position (GRCh38, 1-based): chr19:5,696,143, T>C on the plus strand (A>G on the coding strand, the complement: LONP1 is on the minus strand). VCF-style: chr19-5696143-T-C. GRCh37 (hg19) VCF-style: chr19-5696154-T-C.
Other names: c.1732A>G, p.Thr578Ala (NM_001276479.2); c.1336A>G, p.Thr446Ala (NM_001276480.1); c.1924A>G (NM_004793.2); short protein forms T446A, T578A, T642A.
Identifiers: ClinVar variation 808424 (VCV000808424.43), dbSNP rs766977148, ClinGen allele CA9114393.